The following is an entry in ClinVar:

NM_020937.4(FANCM):c.3995T>G (p.Val1332Gly)

Gene: FANCM (FA complementation group M; plus strand). Cytogenetic location: 14q21.2.
Variant type: single nucleotide variant.
Coding change: c.3995T>G on transcript NM_020937.4 (MANE Select); coding-DNA position 3995, T replaced by G.
Protein change: p.Val1332Gly; replaces valine 1332 with glycine.
Molecular consequence: missense variant.
Genome position (GRCh38, 1-based): chr14:45,176,749, T>G. VCF-style: chr14-45176749-T-G. GRCh37 (hg19) VCF-style: chr14-45645952-T-G.
Other names: c.3917T>G, p.Val1306Gly (NM_001308133.2); short protein forms V1306G, V1332G.
Identifiers: ClinVar variation 2504387 (VCV002504387.4), dbSNP rs768195897, ClinGen allele CA389603858.

ClinVar aggregate classification (germline): Uncertain significance. Review status: criteria provided, multiple submitters, no conflicts (2 of 4 stars). 2 submissions from 2 submitters: Uncertain significance (2). Last evaluated 2025-01-19.

Conditions:
Inborn genetic diseases. Identifiers: MedGen C0950123, MeSH D030342.

Allele frequency attached by ClinVar (database versions not stated): TOPMed 0.00001.

Submissions (2):

Ambry Genetics
Classification: Uncertain significance for Inborn genetic diseases. Last evaluated: 2025-01-19. Review status: criteria provided, single submitter. Criteria: Ambry Variant Classification Scheme 2023. Collection method: clinical testing. Allele origin: germline.
Comment: The p.V1332G variant (also known as c.3995T>G), located in coding exon 14 of the FANCM gene, results from a T to G substitution at nucleotide position 3995. The valine at codon 1332 is replaced by glycine, an amino acid with dissimilar properties. This amino acid position is conserved. In addition, this alteration is predicted to be tolerated by in silico analysis. Based on the available evidence, the clinical significance of this variant remains unclear.

GeneDx
Classification: Uncertain significance. Last evaluated: 2023-09-22. Review status: criteria provided, single submitter. Criteria: GeneDx Variant Classification Process June 2021. Collection method: clinical testing. Allele origin: germline. Affected: yes.
Comment: Not observed at significant frequency in large population cohorts (gnomAD); In silico analysis supports that this missense variant does not alter protein structure/function; Has not been previously published as pathogenic or benign to our knowledge